The following is an entry in ClinVar:

NM_032043.3(BRIP1):c.1993del (p.Gln665fs)

Gene: BRIP1 (BRCA1 interacting DNA helicase 1; minus strand). Cytogenetic location: 17q23.2.
Variant type: Deletion.
Coding change: c.1993del on transcript NM_032043.3 (MANE Select); coding-DNA position 1993, one base deleted (C; older notation c.1993delC).
Protein change: p.Gln665fs; shifts the reading frame from glutamine 665.
Molecular consequence: frameshift variant.
Genome position (GRCh38, 1-based): chr17:61,776,505, G deleted on the plus strand (C on the coding strand, the reverse complement: BRIP1 is on the minus strand); the first of 2 consecutive G bases (chr17:61,776,505-61,776,506); deleting either gives the same sequence. VCF-style (leftmost placement, unchanged base first): chr17-61776504-TG-T. GRCh37 (hg19) VCF-style: chr17-59853865-TG-T.
Other names: c.1993delC (NM_032043.2); short protein forms Q665fs.
Identifiers: ClinVar variation 4876091 (VCV004876091.2).
Genomic context (GRCh38, chr17:61,776,504, plus strand): 5'-TGGCACACAGATAACAAAAGTGCTCCCACTTCATCTTGGAACTCAAATGTTTCAGTATTC[TG>T]GAAGGTAGCACAGAGATTCCGACCCTTGGGGCCTGACCCAATGGTACCAACCCAAACCTA-3'

ClinVar aggregate classification (germline): Pathogenic. Review status: criteria provided, multiple submitters, no conflicts (2 of 4 stars). 2 submissions from 2 submitters: Pathogenic (2). Last evaluated 2026-07-23.

Conditions:
Hereditary cancer-predisposing syndrome. Also called: Neoplastic Syndromes, Hereditary; Tumor predisposition; Hereditary Cancer Syndrome; Hereditary neoplastic syndrome. Identifiers: Orphanet 140162, MedGen C0027672, MeSH D009386, MONDO:0015356.
Familial ovarian cancer. Identifiers: MedGen C5679802, MONDO:0016248.

Submissions (2):

Ambry Genetics
Classification: Pathogenic for Hereditary cancer-predisposing syndrome. Last evaluated: 2026-07-23. Review status: criteria provided, single submitter. Criteria: Ambry Variant Classification Scheme 2023. Collection method: clinical testing. Allele origin: germline.
Comment: The c.1993delC pathogenic mutation, located in coding exon 13 of the BRIP1 gene, results from a deletion of one nucleotide at nucleotide position 1993, causing a translational frameshift with a predicted alternate stop codon (p.Q665Rfs*23). This variant is considered to be rare based on population cohorts in the Genome Aggregation Database (gnomAD). This alteration is expected to result in loss of function by premature protein truncation or nonsense-mediated mRNA decay. As such, this alteration is interpreted as a disease-causing mutation.

Myriad Genetics, Inc.
Classification: Pathogenic for Familial ovarian cancer. Last evaluated: 2026-06-15. Review status: criteria provided, single submitter. Criteria: Myriad Autosomal Dominant, Autosomal Recessive and X-Linked Classification Criteria (2023). Collection method: clinical testing. Allele origin: unknown.
Comment: This variant is considered pathogenic. This variant creates a frameshift predicted to result in premature protein truncation.